The following is an entry in ClinVar:

ClinVar aggregate classification (germline): Uncertain significance (1 of 4 stars; one submission).

Conditions:
Inborn genetic diseases. Identifiers: MedGen C0950123, MeSH D030342.

Submission:

Ambry Genetics
Classification: Uncertain significance for Inborn genetic diseases. Last evaluated: 2024-11-30. Review status: criteria provided, single submitter. Criteria: Ambry Variant Classification Scheme 2023. Collection method: clinical testing. Allele origin: germline.
Comment: The p.V119A variant (also known as c.356T>C), located in coding exon 1 of the CEBPA gene, results from a T to C substitution at nucleotide position 356. The valine at codon 119 is replaced by alanine, an amino acid with similar properties. This amino acid position is conserved. In addition, this alteration is predicted to be tolerated by in silico analysis. Based on the available evidence, the clinical significance of this variant remains unclear.

NM_004364.5(CEBPA):c.356T>C (p.Val119Ala)

Gene: CEBPA (CCAAT enhancer binding protein alpha; minus strand). Cytogenetic location: 19q13.11.
Variant type: single nucleotide variant.
Coding change: c.356T>C on transcript NM_004364.5 (MANE Select); coding-DNA position 356, T replaced by C.
Protein change: p.Val119Ala; replaces valine 119 with alanine.
Molecular consequence: missense variant. On other transcripts: 5 prime UTR variant (1).
Genome position (GRCh38, 1-based): chr19:33,302,059, A>G on the plus strand (T>C on the coding strand, the complement: CEBPA is on the minus strand). VCF-style: chr19-33302059-A-G. GRCh37 (hg19) VCF-style: chr19-33792965-A-G.
Other names: c.-2T>C (NM_001285829.2); c.461T>C, p.Val154Ala (NM_001287424.2); c.314T>C, p.Val105Ala (NM_001287435.2); short protein forms V105A, V119A, V154A.
Identifiers: ClinVar variation 3489914 (VCV003489914.1).